The following is an entry in ClinVar:

ClinVar aggregate classification (germline): Uncertain significance (1 of 4 stars; one submission).

Conditions:
Cardiovascular phenotype. Identifiers: MedGen CN230736.

Submission:

Ambry Genetics
Classification: Uncertain significance for Cardiovascular phenotype. Last evaluated: 2021-11-28. Review status: criteria provided, single submitter. Criteria: Ambry Variant Classification Scheme 2023. Collection method: clinical testing. Allele origin: germline.
Comment: The p.R218C variant (also known as c.652C>T), located in coding exon 1 of the CHST14 gene, results from a C to T substitution at nucleotide position 652. The arginine at codon 218 is replaced by cysteine, an amino acid with highly dissimilar properties. This amino acid position is conserved. In addition, this alteration is predicted to be deleterious by in silico analysis. Since supporting evidence is limited at this time, the clinical significance of this alteration remains unclear.

NM_130468.4(CHST14):c.652C>T (p.Arg218Cys)

Gene: CHST14 (carbohydrate sulfotransferase 14; plus strand). Cytogenetic location: 15q15.1.
Variant type: single nucleotide variant.
Coding change: c.652C>T on transcript NM_130468.4 (MANE Select); coding-DNA position 652, C replaced by T.
Protein change: p.Arg218Cys; replaces arginine 218 with cysteine.
Molecular consequence: missense variant.
Genome position (GRCh38, 1-based): chr15:40,471,865, C>T. VCF-style: chr15-40471865-C-T. GRCh37 (hg19) VCF-style: chr15-40764064-C-T.
Other names: short protein forms R218C.
Identifiers: ClinVar variation 1754067 (VCV001754067.2), dbSNP rs761326208, ClinGen allele CA391766554.
Genomic context (GRCh38, chr15:40,471,865, plus strand): 5'-GAGATTCGCTACCGCCTGCAGCACTACTTTAAGTTCCTGTTTGTGCGGGAGCCCTTGGAA[C>T]GCCTCCTCTCTGCCTACCGCAACAAGTTTGGCGAGATCCGAGAGTACCAGCAACGCTATG-3'
Protein context (NP_569735.1, residues 208-228): KFLFVREPLE[Arg218Cys]LLSAYRNKFG